The following is an entry in ClinVar:

ClinVar aggregate classification (germline): Uncertain significance. Review status: criteria provided, multiple submitters, no conflicts (2 of 4 stars). 2 submissions from 2 submitters: Uncertain significance (2). Last evaluated 2026-04-09.

Conditions:
Pancreatic adenocarcinoma. Identifiers: MedGen C0281361, MONDO:0006047, HP:0006725.

Submissions (2):

Ambry Genetics
Classification: Uncertain significance. Last evaluated: 2026-04-09. Review status: criteria provided, single submitter. Criteria: Ambry Variant Classification Scheme 2023. Collection method: clinical testing. Allele origin: germline.
Comment: The p.A145V variant (also known as c.434C>T), located in coding exon 1 of the PALLD gene, results from a C to T substitution at nucleotide position 434. The alanine at codon 145 is replaced by valine, an amino acid with similar properties. This amino acid position is conserved. In addition, this alteration is predicted to be tolerated by in silico analysis. Based on the available evidence, the clinical significance of this variant remains unclear.

Labcorp Genetics (formerly Invitae), Labcorp
Classification: Uncertain significance for Pancreatic adenocarcinoma. Last evaluated: 2024-04-29. Review status: criteria provided, single submitter. Criteria: Invitae Variant Classification Sherloc (09022015). Collection method: clinical testing. Allele origin: germline.
Comment: This sequence change replaces alanine, which is neutral and non-polar, with valine, which is neutral and non-polar, at codon 145 of the PALLD protein (p.Ala145Val). This variant is not present in population databases (gnomAD no frequency). This variant has not been reported in the literature in individuals affected with PALLD-related conditions. ClinVar contains an entry for this variant (Variation ID: 1486556). An algorithm developed to predict the effect of missense changes on protein structure and function (PolyPhen-2) suggests that this variant is likely to be tolerated. In summary, the available evidence is currently insufficient to determine the role of this variant in disease. Therefore, it has been classified as a Variant of Uncertain Significance.

NM_001166108.2(PALLD):c.1965-12597C>T

Gene: PALLD (palladin, cytoskeletal associated protein; plus strand). Cytogenetic location: 4q32.3.
Variant type: single nucleotide variant.
Coding change: c.1965-12597C>T on transcript NM_001166108.2 (MANE Select); 12597 bases into the intron before coding-DNA position 1965, C replaced by T.
Molecular consequence: intron variant. On other transcripts: missense variant (1).
Genome position (GRCh38, 1-based): chr4:168,878,325, C>T. VCF-style: chr4-168878325-C-T. GRCh37 (hg19) VCF-style: chr4-169799476-C-T.
Other names: c.434C>T, p.Ala145Val (NM_001166110.2); c.1965-12597C>T (NM_016081.4); c.819-12597C>T (NM_001166109.2); c.-157-12597C>T (NM_001367570.1, NM_001367568.1, NM_001367567.1 and 1 more transcripts); c.434C>T (NM_001166110.1); short protein forms A145V.
Identifiers: ClinVar variation 1486556 (VCV001486556.7), dbSNP rs1221751077, ClinGen allele CA358796677.